The following is an entry in ClinVar:

NM_014141.6(CNTNAP2):c.965C>T (p.Ser322Phe)

Gene: CNTNAP2 (contactin associated protein 2; plus strand). Cytogenetic location: 7q35.
Variant type: single nucleotide variant.
Coding change: c.965C>T on transcript NM_014141.6 (MANE Select); coding-DNA position 965, C replaced by T.
Protein change: p.Ser322Phe; replaces serine 322 with phenylalanine.
Molecular consequence: missense variant.
Genome position (GRCh38, 1-based): chr7:147,128,718, C>T. VCF-style: chr7-147128718-C-T. GRCh37 (hg19) VCF-style: chr7-146825810-C-T.
Other names: short protein forms S322F.
Identifiers: ClinVar variation 290401 (VCV000290401.14), dbSNP rs139042086, ClinGen allele CA4545944.

ClinVar aggregate classification (germline): Uncertain significance. Review status: criteria provided, multiple submitters, no conflicts (2 of 4 stars). 3 submissions from 3 submitters: Uncertain significance (3). Last evaluated 2024-06-05.

Conditions:
Cortical dysplasia-focal epilepsy syndrome (PTHSL1). Also called: Pitt-Hopkins-like syndrome 1. Identifiers: Orphanet 163681, Orphanet 221150, MedGen C2750246, MONDO:0012400, OMIM 610042.

Allele frequency attached by ClinVar (database versions not stated): ExAC 0.00001; gnomAD exomes 0.00001; gnomAD 0.00005 and 0.00006; TOPMed 0.00006; ESP Exome Variant Server 0.00008.
gnomAD v4.1: 15 of 1,613,938 alleles (0.00093%); highest among the groups gnomAD compares: African/African-American, 0.017%; no homozygotes.

Submissions (3):

Labcorp Genetics (formerly Invitae), Labcorp
Classification: Uncertain significance for Cortical dysplasia-focal epilepsy syndrome. Last evaluated: 2024-06-05. Review status: criteria provided, single submitter. Criteria: Invitae Variant Classification Sherloc (09022015). Collection method: clinical testing. Allele origin: germline.
Comment: This sequence change replaces serine, which is neutral and polar, with phenylalanine, which is neutral and non-polar, at codon 322 of the CNTNAP2 protein (p.Ser322Phe). This variant is present in population databases (rs139042086, gnomAD 0.01%). This variant has not been reported in the literature in individuals affected with CNTNAP2-related conditions. ClinVar contains an entry for this variant (Variation ID: 290401). An algorithm developed to predict the effect of missense changes on protein structure and function (PolyPhen-2) suggests that this variant is likely to be disruptive. In summary, the available evidence is currently insufficient to determine the role of this variant in disease. Therefore, it has been classified as a Variant of Uncertain Significance.

Mayo Clinic Laboratories, Mayo Clinic
Classification: Uncertain significance. Last evaluated: 2019-06-24. Review status: criteria provided, single submitter. Criteria: ACMG Guidelines, 2015. Collection method: clinical testing. Allele origin: germline. Observed: 1 variant allele.

Eurofins Ntd Llc (ga)
Classification: Uncertain significance. Last evaluated: 2016-08-31. Review status: criteria provided, single submitter. Criteria: EGL Classification Definitions 2015. Collection method: clinical testing. Allele origin: germline. Observed: 1 variant allele, 1 heterozygote.